The following is an entry in ClinVar:

ClinVar aggregate classification (germline): Pathogenic (1 of 4 stars; one submission).

Conditions:
Acute myeloid leukemia (AML). Also called: Leukemia, acute myeloid, somatic; Leukemia, acute myelogenous, somatic; Acute myeloid leukemia, adult; AML adult; Acute non-lymphocytic leukemia; Acute granulocytic leukemia. Identifiers: Orphanet 519, MedGen C0023467, MeSH D015470, MONDO:0018874, OMIM 601626, HP:0004808. Disease mechanism: Constitutively activated FLT3.

Submission:

Genomic Diagnostics Laboratory, National Institute of Medical Genomics
Classification: Pathogenic for Acute myeloid leukemia. Review status: criteria provided, single submitter. Criteria: AMP Guidelines, 2017. Collection method: clinical testing. Allele origin: somatic. Affected: yes.
Comment: The variant was detected in bone marrow from patients, but it was not confirmed in the matched

NM_004364.5(CEBPA):c.174_184del (p.Glu59fs)

Gene: CEBPA (CCAAT enhancer binding protein alpha; minus strand). Cytogenetic location: 19q13.11.
Variant type: Deletion.
Coding change: c.174_184del on transcript NM_004364.5 (MANE Select); coding-DNA positions 174 to 184, 11 bases deleted (CGAGACGTCCA).
Protein change: p.Glu59fs; shifts the reading frame from glutamic acid 59.
Molecular consequence: frameshift variant. On other transcripts: 5 prime UTR variant (1).
Genome position (GRCh38, 1-based): chr19:33,302,231-33,302,241, TGGACGTCTCG deleted on the plus strand (CGAGACGTCCA on the coding strand, the reverse complement: CEBPA is on the minus strand); deleting any 11 consecutive bases within chr19:33,302,231-33,302,243 gives the same sequence; the c. name uses the placement nearest the transcript's 3' end. VCF-style (leftmost placement, unchanged base first): chr19-33302230-ATGGACGTCTCG-A. GRCh37 (hg19) VCF-style: chr19-33793136-ATGGACGTCTCG-A.
Other names: c.279_289del, p.Glu94fs (NM_001287424.2); c.132_142del, p.Glu45fs (NM_001287435.2); c.-184_-174del (NM_001285829.2); c.174_184delCGAGACGTCCA (NM_004364.5); short protein forms E45fs, E59fs, E94fs.
Identifiers: ClinVar variation 1343795 (VCV001343795.1), dbSNP rs2513332781, ClinGen allele CA645612835.